The following is an entry in ClinVar:

ClinVar aggregate classification (germline): Benign/Likely benign. Review status: criteria provided, multiple submitters, no conflicts (2 of 4 stars). 2 submissions from 2 submitters: Benign (1); Likely benign (1). Last evaluated 2025-08-31.

Conditions:
Hereditary nonpolyposis colorectal neoplasms. Identifiers: MedGen C0009405, MeSH D003123.
Lynch syndrome 5 (LYNCH5). Also called: Colorectal cancer, hereditary nonpolyposis, type 5; Hereditary non-polyposis colorectal cancer, type 5. Identifiers: Orphanet 144, MedGen C1833477, MONDO:0013710, OMIM 614350. Disease mechanism: loss of function.

Submissions (2):

Labcorp Genetics (formerly Invitae), Labcorp
Classification: Likely benign for Hereditary nonpolyposis colorectal neoplasms. Last evaluated: 2025-08-31. Review status: criteria provided, single submitter. Criteria: Invitae Variant Classification Sherloc (09022015). Collection method: clinical testing. Allele origin: germline.

Myriad Genetics, Inc.
Classification: Benign for Lynch syndrome 5. Last evaluated: 2024-12-26. Review status: criteria provided, single submitter. Criteria: Myriad Autosomal Dominant, Autosomal Recessive and X-Linked Classification Criteria (2023). Collection method: clinical testing. Allele origin: unknown.
Comment: This variant is considered benign. This variant is a silent/synonymous amino acid change and it is not expected to impact splicing.

NM_000179.3(MSH6):c.1401C>G (p.Gly467=)

Gene: MSH6 (mutS homolog 6; plus strand). Cytogenetic location: 2p16.3.
Variant type: single nucleotide variant.
Coding change: c.1401C>G on transcript NM_000179.3 (MANE Select); coding-DNA position 1401, C replaced by G.
Protein change: p.Gly467=; no amino-acid change (glycine 467 retained).
Molecular consequence: synonymous variant.
Genome position (GRCh38, 1-based): chr2:47,799,384, C>G. VCF-style: chr2-47799384-C-G. GRCh37 (hg19) VCF-style: chr2-48026523-C-G.
Other names: c.1011C>G, p.Gly337= (NM_001281492.2); c.495C>G, p.Gly165= (NM_001281493.2, NM_001281494.2).
Identifiers: ClinVar variation 1119750 (VCV001119750.10), dbSNP rs1558661556, ClinGen allele CA426121157.